The following is an entry in ClinVar:

NM_001077418.3(TMEM231):c.139+30G>C

Gene: TMEM231 (transmembrane protein 231; minus strand). Cytogenetic location: 16q23.1.
Variant type: single nucleotide variant.
Coding change: c.139+30G>C on transcript NM_001077418.3 (MANE Select); 30 bases into the intron after coding-DNA position 139, G replaced by C.
Molecular consequence: intron variant. On other transcripts: missense variant (1).
Genome position (GRCh38, 1-based): chr16:75,556,041, C>G on the plus strand (G>C on the coding strand, the complement: TMEM231 is on the minus strand). VCF-style: chr16-75556041-C-G. GRCh37 (hg19) VCF-style: chr16-75589939-C-G.
Other names: c.231G>C, p.Glu77Asp (NM_001077416.2); short protein forms E77D.
Identifiers: ClinVar variation 3381500 (VCV003381500.1).

ClinVar aggregate classification (germline): Uncertain significance (1 of 4 stars; one submission).

Submission:

GeneDx
Classification: Uncertain significance. Last evaluated: 2024-05-14. Review status: criteria provided, single submitter. Criteria: GeneDx Variant Classification Process June 2021. Collection method: clinical testing. Allele origin: germline. Affected: yes.
Comment: Not observed at significant frequency in large population cohorts (gnomAD); In silico analysis indicates that this missense variant does not alter protein structure/function; Has not been previously published as pathogenic or benign to our knowledge